The following is an entry in ClinVar:

NM_001365999.1(SZT2):c.3695G>A (p.Gly1232Glu)

Gene: SZT2 (SZT2 subunit of KICSTOR complex; plus strand). Cytogenetic location: 1p34.2.
Variant type: single nucleotide variant.
Coding change: c.3695G>A on transcript NM_001365999.1 (MANE Select); coding-DNA position 3695, G replaced by A.
Protein change: p.Gly1232Glu; replaces glycine 1232 with glutamic acid.
Molecular consequence: missense variant.
Genome position (GRCh38, 1-based): chr1:43,427,626, G>A. VCF-style: chr1-43427626-G-A. GRCh37 (hg19) VCF-style: chr1-43893297-G-A.
Other names: c.3524G>A (NM_015284.3); c.3524G>A, p.Gly1175Glu (NM_015284.4); short protein forms G1232E, G1175E.
Identifiers: ClinVar variation 2190609 (VCV002190609.4), dbSNP rs775589442, ClinGen allele CA809065.

ClinVar aggregate classification (germline): Uncertain significance. Review status: criteria provided, multiple submitters, no conflicts (2 of 4 stars). 3 submissions from 3 submitters: Uncertain significance (3). Last evaluated 2025-10-08.

Conditions:
Inborn genetic diseases. Identifiers: MedGen C0950123, MeSH D030342.

Allele frequency attached by ClinVar (database versions not stated): TOPMed 0.00001.

Submissions (3):

GeneDx
Classification: Uncertain significance. Last evaluated: 2025-10-08. Review status: criteria provided, single submitter. Criteria: GeneDx Variant Classification Process June 2021. Collection method: clinical testing. Allele origin: germline.
Comment: In silico analysis suggests that this missense variant does not alter protein structure/function; Has not been previously published as pathogenic or benign to our knowledge

Ambry Genetics
Classification: Uncertain significance for Inborn genetic diseases. Last evaluated: 2025-08-27. Review status: criteria provided, single submitter. Criteria: Ambry Variant Classification Scheme 2023. Collection method: clinical testing. Allele origin: germline.

Labcorp Genetics (formerly Invitae), Labcorp
Classification: Uncertain significance. Last evaluated: 2022-08-08. Review status: criteria provided, single submitter. Criteria: Invitae Variant Classification Sherloc (09022015). Collection method: clinical testing. Allele origin: germline.
Comment: This sequence change replaces glycine, which is neutral and non-polar, with glutamic acid, which is acidic and polar, at codon 1175 of the SZT2 protein (p.Gly1175Glu). This variant is present in population databases (rs775589442, gnomAD 0.03%). This variant has not been reported in the literature in individuals affected with SZT2-related conditions. Algorithms developed to predict the effect of missense changes on protein structure and function are either unavailable or do not agree on the potential impact of this missense change (SIFT: "Tolerated"; PolyPhen-2: "Benign"; Align-GVGD: "Class C25"). In summary, the available evidence is currently insufficient to determine the role of this variant in disease. Therefore, it has been classified as a Variant of Uncertain Significance.